The following is an entry in ClinVar:

NM_001184.4(ATR):c.933A>C (p.Arg311Ser)

Gene: ATR (ATR checkpoint kinase; minus strand). Cytogenetic location: 3q23.
Variant type: single nucleotide variant.
Coding change: c.933A>C on transcript NM_001184.4 (MANE Select); coding-DNA position 933, A replaced by C.
Protein change: p.Arg311Ser; replaces arginine 311 with serine.
Molecular consequence: missense variant.
Genome position (GRCh38, 1-based): chr3:142,562,469, T>G on the plus strand (A>C on the coding strand, the complement: ATR is on the minus strand). VCF-style: chr3-142562469-T-G. GRCh37 (hg19) VCF-style: chr3-142281311-T-G.
Other names: c.933A>C, p.Arg311Ser (NM_001354579.2); c.933A>C (NM_001184.3); short protein forms R311S.
Identifiers: ClinVar variation 1002523 (VCV001002523.7), dbSNP rs1005834442, ClinGen allele CA84755612.

ClinVar aggregate classification (germline): Uncertain significance. Review status: criteria provided, multiple submitters, no conflicts (2 of 4 stars). 2 submissions from 2 submitters: Uncertain significance (2). Last evaluated 2022-11-17.

Conditions:
Inborn genetic diseases. Identifiers: MedGen C0950123, MeSH D030342.

Allele frequency attached by ClinVar (database versions not stated): gnomAD exomes below 0.00001 and 0.00001; TOPMed 0.00001.
gnomAD v4.1: 11 of 1,614,172 alleles (0.00068%); highest among the groups gnomAD compares: Admixed American, 0.0017%; no homozygotes.

Submissions (2):

Ambry Genetics
Classification: Uncertain significance for Inborn genetic diseases. Last evaluated: 2022-11-17. Review status: criteria provided, single submitter. Criteria: Ambry Variant Classification Scheme 2023. Collection method: clinical testing. Allele origin: germline.
Comment: The p.R311S variant (also known as c.933A>C), located in coding exon 4 of the ATR gene, results from an A to C substitution at nucleotide position 933. The arginine at codon 311 is replaced by serine, an amino acid with dissimilar properties. This amino acid position is conserved. In addition, this alteration is predicted to be tolerated by in silico analysis. Since supporting evidence is limited at this time, the clinical significance of this alteration remains unclear.

Labcorp Genetics (formerly Invitae), Labcorp
Classification: Uncertain significance. Last evaluated: 2021-09-02. Review status: criteria provided, single submitter. Criteria: Invitae Variant Classification Sherloc (09022015). Collection method: clinical testing. Allele origin: germline.
Comment: This sequence change replaces arginine with serine at codon 311 of the ATR protein (p.Arg311Ser). The arginine residue is weakly conserved and there is a moderate physicochemical difference between arginine and serine. This variant is not present in population databases (ExAC no frequency). This variant has not been reported in the literature in individuals affected with ATR-related conditions. Algorithms developed to predict the effect of missense changes on protein structure and function (SIFT, PolyPhen-2, Align-GVGD) all suggest that this variant is likely to be tolerated. In summary, the available evidence is currently insufficient to determine the role of this variant in disease. Therefore, it has been classified as a Variant of Uncertain Significance.